The following is an entry in ClinVar:

ClinVar aggregate classification (germline): Uncertain significance (1 of 4 stars; one submission).

Conditions:
Familial isolated arrhythmogenic right ventricular dysplasia. Identifiers: Orphanet 217656, MedGen C4274968, MONDO:0016342.

Submission:

All of Us Research Program, National Institutes of Health
Classification: Uncertain significance for Familial isolated arrhythmogenic right ventricular dysplasia. Last evaluated: 2023-11-20. Review status: criteria provided, single submitter. Criteria: ACMG Guidelines, 2015. Collection method: clinical testing. Allele origin: germline. Inheritance: Autosomal dominant inheritance. Observed: 1 variant allele, 1 heterozygote.
Comment: This variant inserts 1 nucleotide at the 3' end of exon 13 of the DSC2 gene. Splice site prediction tools indicate that this variant has no significant impact on RNA splicing. This variant is expected to introduce a premature translation stop signal at codon 709 and result in an absent or non-functional protein product. To our knowledge, this variant has not been reported in individuals affected with DSC2-related disorders in the literature. This variant has not been identified in the general population by the Genome Aggregation Database (gnomAD). Although there is a suspicion for a pathogenic role, clinical relevance of loss-of-function DSC2 truncation and splice variants in autosomal dominant arrhythmogenic cardiomyopathy is not yet clearly established. The available evidence is insufficient to determine the role of this variant in disease conclusively. Therefore, this variant is classified as a Variant of Uncertain Significance.

This study involves interpretation of variants in research participants for the purpose of population health screening. Participant phenotype was not available at the time of variant classification. Additional details can be found in publication PMID: 35346344, PMCID: PMC8962531

NM_024422.6(DSC2):c.2125_2126insA (p.Cys709Ter)

Gene: DSC2 (desmocollin 2; minus strand). Cytogenetic location: 18q12.1.
Variant type: Insertion.
Coding change: c.2125_2126insA on transcript NM_024422.6 (MANE Select); coding-DNA positions 2125 to 2126, A inserted.
Protein change: p.Cys709Ter; replaces cysteine 709 with a stop codon.
Molecular consequence: nonsense.
Genome position: GRCh38 VCF-style: chr18-31071604-C-CT. GRCh37 (hg19) VCF-style: chr18-28651570-C-CT.
Other names: c.1696_1697insA, p.Cys566Ter (NM_001406506.1, NM_001406507.1); c.2125_2126insA, p.Cys709Ter (NM_004949.5); short protein forms C566*, C709*.
Identifiers: ClinVar variation 3074662 (VCV003074662.1), dbSNP rs2510940254, ClinGen allele CA2825002670.